The following is an entry in ClinVar:

NM_004655.4(AXIN2):c.2237+151T>C

Gene: AXIN2 (axin 2; minus strand). Cytogenetic location: 17q24.1.
Variant type: single nucleotide variant.
Coding change: c.2237+151T>C on transcript NM_004655.4 (MANE Select); 151 bases into the intron after coding-DNA position 2237, T replaced by C.
Molecular consequence: intron variant.
Genome position (GRCh38, 1-based): chr17:65,535,475, A>G on the plus strand (T>C on the coding strand, the complement: AXIN2 is on the minus strand). VCF-style: chr17-65535475-A-G. GRCh37 (hg19) VCF-style: chr17-63531593-A-G.
Other names: c.2042+151T>C (NM_001363813.1).
Identifiers: ClinVar variation 679754 (VCV000679754.1), dbSNP rs74006835, ClinGen allele CA293097529.

ClinVar aggregate classification (germline): Benign (1 of 4 stars; one submission).

Allele frequency attached by ClinVar (database versions not stated): gnomAD exomes 0.00167; 1000 Genomes Project 0.01338; 1000 Genomes Project 30x 0.01390; gnomAD 0.01497 and 0.01629; TOPMed 0.01766.
gnomAD v4.1: 3,377 of 773,674 alleles (0.44%); highest among the groups gnomAD compares: African/African-American, 5.2%; 99 homozygotes.

Submission:

GeneDx
Classification: Benign. Last evaluated: 2018-06-12. Review status: criteria provided, single submitter. Criteria: GeneDx Variant Classification (06012015). Collection method: clinical testing. Allele origin: germline. Affected: yes.
Comment: This variant is considered likely benign or benign based on one or more of the following criteria: it is a conservative change, it occurs at a poorly conserved position in the protein, it is predicted to be benign by multiple in silico algorithms, and/or has population frequency not consistent with disease.